The following is an entry in ClinVar:

ClinVar aggregate classification (germline): Likely benign. Review status: criteria provided, multiple submitters, no conflicts (2 of 4 stars). 13 submissions from 12 submitters: Likely benign (10). 3 of the submissions do not count toward it. Last evaluated 2026-01-16.

Conditions:
Adams-Oliver syndrome 5 (AOS5). Identifiers: Orphanet 974, MedGen C4014970, MONDO:0014459, OMIM 616028.
Familial thoracic aortic aneurysm and aortic dissection (TAAD). Also called: Thoracic aortic aneurysms and dissections. Identifiers: Orphanet 91387, MedGen C4707243, MONDO:0019625.
Aortic valve disease 1 (AOVD1). Identifiers: MedGen C3887892, MONDO:0024523, OMIM 109730.

Allele frequency attached by ClinVar (database versions not stated): ExAC 0.00014; gnomAD exomes 0.00018; gnomAD 0.00019 and 0.00021; TOPMed 0.00019; ESP Exome Variant Server 0.00031.
gnomAD v4.1: 604 of 1,609,060 alleles (0.038%); highest among the groups gnomAD compares: Non-Finnish European, 0.049%; no homozygotes.

Submissions (13):

Labcorp Genetics (formerly Invitae), Labcorp
Classification: Likely benign for Adams-Oliver syndrome 5. Last evaluated: 2026-01-16. Review status: criteria provided, single submitter. Criteria: Invitae Variant Classification Sherloc (09022015). Collection method: clinical testing. Allele origin: germline.

Women's Health and Genetics/Laboratory Corporation of America, LabCorp
Classification: Likely benign. Last evaluated: 2024-09-16. Review status: criteria provided, single submitter. Criteria: LabCorp Variant Classification Summary - May 2015. Collection method: clinical testing. Allele origin: germline.
Comment: Variant summary: NOTCH1 c.6685G>A (p.Val2229Met) results in a conservative amino acid change in the encoded protein sequence. Four of four in-silico tools predict a benign effect of the variant on protein function. The variant allele was found at a frequency of 0.00018 in 245566 control chromosomes. The observed variant frequency is approximately 287 fold of the estimated maximal expected allele frequency for a pathogenic variant in NOTCH1 causing Adams-Oliver Syndrome 5 phenotype (6.3e-07). ClinVar contains an entry for this variant (Variation ID: 264594). Based on the evidence outlined above, the variant was classified as likely benign.

Blueprint Genetics
Classification: Likely benign. Last evaluated: 2024-08-29. Review status: criteria provided, single submitter. Criteria: ACMG Guidelines, 2015. Collection method: clinical testing. Allele origin: germline.

ARUP Laboratories, Molecular Genetics and Genomics, ARUP Laboratories
Classification: Likely benign. Last evaluated: 2024-04-25. Review status: criteria provided, single submitter. Criteria: ARUP Molecular Germline Variant Investigation Process 2024. Collection method: clinical testing. Allele origin: germline.

Genome-Nilou Lab
Classification: Likely benign for Adams-Oliver syndrome 5. Last evaluated: 2022-03-15. Review status: criteria provided, single submitter. Criteria: ACMG Guidelines, 2015. Collection method: clinical testing. Allele origin: germline. Affected: no.

Genome-Nilou Lab
Classification: Likely benign for Aortic valve disease 1. Last evaluated: 2022-03-15. Review status: criteria provided, single submitter. Criteria: ACMG Guidelines, 2015. Collection method: clinical testing. Allele origin: germline. Affected: no.

GeneDx
Classification: Likely benign. Last evaluated: 2021-01-14. Review status: criteria provided, single submitter. Criteria: GeneDx Variant Classification Process June 2021. Collection method: clinical testing. Allele origin: germline. Affected: yes.
Comment: In silico analysis, which includes protein predictors and evolutionary conservation, supports that this variant does not alter protein structure/function; This variant is associated with the following publications: (PMID: 25931334, 24113472)

Ambry Genetics
Classification: Likely benign for Familial thoracic aortic aneurysm and aortic dissection. Last evaluated: 2020-10-06. Review status: criteria provided, single submitter. Criteria: Ambry Variant Classification Scheme 2023. Collection method: clinical testing. Allele origin: germline.

CeGaT Center for Human Genetics Tuebingen
Classification: Likely benign. Last evaluated: 2020-08-01. Review status: criteria provided, single submitter. Criteria: CeGaT Center For Human Genetics Tuebingen Variant Classification Criteria Version 2. Collection method: clinical testing. Allele origin: germline. Affected: yes. Observed: 1 variant allele.

CHEO Genetics Diagnostic Laboratory, Children's Hospital of Eastern Ontario
Classification: Likely benign for Familial thoracic aortic aneurysm and aortic dissection. Last evaluated: 2019-10-08. Review status: criteria provided, single submitter. Criteria: ACMG Guidelines, 2015. Collection method: clinical testing. Allele origin: germline.

Diagnostic Laboratory, Department of Genetics, University Medical Center Groningen
Classification: Likely benign. Review status: no assertion criteria provided. Collection method: clinical testing. Allele origin: germline. Affected: yes. Study: VKGL Data-share Consensus. Not counted in ClinVar's aggregate classification.

Genome Diagnostics Laboratory, Amsterdam University Medical Center
Classification: Likely benign. Review status: no assertion criteria provided. Collection method: clinical testing. Allele origin: germline. Affected: yes. Study: VKGL Data-share Consensus. Not counted in ClinVar's aggregate classification.

Genome Diagnostics Laboratory, University Medical Center Utrecht
Classification: Benign. Review status: no assertion criteria provided. Collection method: clinical testing. Allele origin: germline. Affected: yes. Study: VKGL Data-share Consensus. Not counted in ClinVar's aggregate classification.

Literature cited by the submitters: PubMed 24943832 (cited by Women's Health and Genetics/Laboratory Corporation of America, LabCorp); PubMed 16614245 (cited by Women's Health and Genetics/Laboratory Corporation of America, LabCorp); PubMed 21670202 (cited by Women's Health and Genetics/Laboratory Corporation of America, LabCorp); PubMed 22210878 (cited by Women's Health and Genetics/Laboratory Corporation of America, LabCorp); PubMed 19635999 (cited by Women's Health and Genetics/Laboratory Corporation of America, LabCorp); PubMed 26837699 (cited by Women's Health and Genetics/Laboratory Corporation of America, LabCorp); PubMed 23086750 (cited by Women's Health and Genetics/Laboratory Corporation of America, LabCorp); PubMed 19245433 (cited by Women's Health and Genetics/Laboratory Corporation of America, LabCorp); PubMed 22077063 (cited by Women's Health and Genetics/Laboratory Corporation of America, LabCorp); PubMed 15472075 (cited by Women's Health and Genetics/Laboratory Corporation of America, LabCorp); PubMed 23734977 (cited by Women's Health and Genetics/Laboratory Corporation of America, LabCorp); PubMed 22858860 (cited by Women's Health and Genetics/Laboratory Corporation of America, LabCorp); PubMed 25931334 (cited by Ambry Genetics).

NM_017617.5(NOTCH1):c.6685G>A (p.Val2229Met)

Gene: NOTCH1 (notch receptor 1; minus strand). Cytogenetic location: 9q34.3.
Variant type: single nucleotide variant.
Coding change: c.6685G>A on transcript NM_017617.5 (MANE Select); coding-DNA position 6685, G replaced by A.
Protein change: p.Val2229Met; replaces valine 2229 with methionine.
Molecular consequence: missense variant.
Genome position (GRCh38, 1-based): chr9:136,497,054, C>T on the plus strand (G>A on the coding strand, the complement: NOTCH1 is on the minus strand). VCF-style: chr9-136497054-C-T. GRCh37 (hg19) VCF-style: chr9-139391506-C-T.
Other names: c.6685G>A, p.Val2229Met (LRG_1122t1); short protein forms V2229M.
Identifiers: ClinVar variation 264594 (VCV000264594.62), dbSNP rs202096917, ClinGen allele CA5339843.